The following is an entry in ClinVar:

NM_144596.4(TTC8):c.1294G>A (p.Glu432Lys)

Gene: TTC8 (tetratricopeptide repeat domain 8; plus strand). Cytogenetic location: 14q31.3.
Variant type: single nucleotide variant.
Coding change: c.1294G>A on transcript NM_144596.4 (MANE Select); coding-DNA position 1294, G replaced by A.
Protein change: p.Glu432Lys; replaces glutamic acid 432 with lysine.
Molecular consequence: missense variant. On other transcripts: non-coding transcript variant (1).
Genome position (GRCh38, 1-based): chr14:88,872,399, G>A. VCF-style: chr14-88872399-G-A. GRCh37 (hg19) VCF-style: chr14-89338743-G-A.
Other names: c.1342G>A, p.Glu448Lys (NM_001288781.1); c.700G>A, p.Glu234Lys (NM_001288782.1); c.577G>A, p.Glu193Lys (NM_001288783.1); c.1264G>A, p.Glu422Lys (NM_001366535.2, NM_198309.3); c.1174G>A, p.Glu392Lys (NM_001366536.2, NM_198310.3); c.1294G>A (NM_144596.3); c.1264G>A (NM_198309.2); short protein forms E193K, E234K, E392K, E432K, E448K, E422K.
Identifiers: ClinVar variation 849460 (VCV000849460.10), dbSNP rs114401181, ClinGen allele CA7302707.
Genomic context (GRCh38, chr14:88,872,399, plus strand): 5'-GATACAAATTTGGCCCATCAGTGCTTCAGGCTGGCTCTGGTCAACAACAACAACCACGCC[G>A]AGGCCTACAACAACCTGGCTGTGCTGGAGATGCGGAAGGGCCACGTTGAACAGGTCAGTG-3'
Protein context (NP_653197.2, residues 422-442): LALVNNNNHA[Glu432Lys]AYNNLAVLEM

ClinVar aggregate classification (germline): Uncertain significance. Review status: criteria provided, multiple submitters, no conflicts (2 of 4 stars). 5 submissions from 5 submitters: Uncertain significance (5). Last evaluated 2026-05-04.

Conditions:
TTC8-related disorder. Also called: TTC8-related condition.
Inborn genetic diseases. Identifiers: MedGen C0950123, MeSH D030342.
Retinitis pigmentosa 51 (RP51). Identifiers: Orphanet 791, MedGen C3150715, MONDO:0013274, OMIM 613464.
Bardet-Biedl syndrome 8 (BBS8). Identifiers: Orphanet 110, MedGen C1859566, MONDO:0014436, OMIM 615985.
Bardet-Biedl syndrome (BBS). Identifiers: Orphanet 110, MedGen C0752166, MONDO:0015229.

Allele frequency attached by ClinVar (database versions not stated): gnomAD 0.00009 and 0.00010; ExAC 0.00012; gnomAD exomes 0.00014 and 0.00029; TOPMed 0.00014; ESP Exome Variant Server 0.00015; 1000 Genomes Project 30x 0.00016; 1000 Genomes Project 0.00020.
gnomAD v4.1: 435 of 1,613,968 alleles (0.027%); highest among the groups gnomAD compares: Non-Finnish European, 0.035%; no homozygotes.

Submissions (5):

PreventionGenetics, part of Exact Sciences
Classification: Uncertain significance for TTC8-related condition. Last evaluated: 2026-05-04. Review status: criteria provided, single submitter. Criteria: ACMG Guidelines, 2015. Collection method: clinical testing. Allele origin: germline.
Comment: The TTC8 c.1294G>A variant is predicted to result in the amino acid substitution p.Glu432Lys. To our knowledge, this variant has not been reported in the literature. This variant is reported in 0.026% of alleles in individuals of European (non-Finnish) descent in gnomAD. At this time, the clinical significance of this variant is uncertain due to the absence of conclusive functional and genetic evidence.

Blueprint Genetics
Classification: Uncertain significance. Last evaluated: 2024-11-08. Review status: criteria provided, single submitter. Criteria: ACMG Guidelines, 2015. Collection method: clinical testing. Allele origin: germline.

Labcorp Genetics (formerly Invitae), Labcorp
Classification: Uncertain significance for Bardet-Biedl syndrome. Last evaluated: 2022-10-07. Review status: criteria provided, single submitter. Criteria: Invitae Variant Classification Sherloc (09022015). Collection method: clinical testing. Allele origin: germline.
Comment: This sequence change replaces glutamic acid, which is acidic and polar, with lysine, which is basic and polar, at codon 422 of the TTC8 protein (p.Glu422Lys). This variant is present in population databases (rs114401181, gnomAD 0.02%). This variant has not been reported in the literature in individuals affected with TTC8-related conditions. ClinVar contains an entry for this variant (Variation ID: 849460). Advanced modeling of protein sequence and biophysical properties (such as structural, functional, and spatial information, amino acid conservation, physicochemical variation, residue mobility, and thermodynamic stability) performed at Invitae indicates that this missense variant is expected to disrupt TTC8 protein function. In summary, the available evidence is currently insufficient to determine the role of this variant in disease. Therefore, it has been classified as a Variant of Uncertain Significance.

Fulgent Genetics
Classification: Uncertain significance for Retinitis pigmentosa 51; Bardet-Biedl syndrome 8. Last evaluated: 2022-03-24. Review status: criteria provided, single submitter. Criteria: ACMG Guidelines, 2015. Collection method: clinical testing. Allele origin: unknown.

Ambry Genetics
Classification: Uncertain significance for Inborn genetic diseases. Last evaluated: 2021-08-02. Review status: criteria provided, single submitter. Criteria: Ambry Variant Classification Scheme 2023. Collection method: clinical testing. Allele origin: germline.